The following is an entry in ClinVar:

NC_000023.11:g.(31968515_32216915)_(32217064_32287528)del

Gene: DMD (dystrophin; minus strand). Cytogenetic location: Xp21.1.
Variant type: Deletion.
Identifiers: ClinVar variation 981979 (VCV000981979.2).

ClinVar aggregate classification (germline): Pathogenic (1 of 4 stars; one submission).

Conditions:
Neuromuscular disease caused by qualitative or quantitative defects of dystrophin. Also called: Qualitative or quantitative defects of dystrophin. Identifiers: Orphanet 207085, MedGen C5679787, MONDO:0016147.

Submission:

Women's Health and Genetics/Laboratory Corporation of America, LabCorp
Classification: Pathogenic for Neuromuscular disease caused by qualitative or quantitative defects of dystrophin. Last evaluated: 2025-03-06. Review status: criteria provided, single submitter. Criteria: LabCorp Variant Classification Summary - May 2015. Collection method: clinical testing. Allele origin: germline.
Comment: Variant summary: The variant involves the deletion of exon 44 in the DMD gene. A presumed nomenclature of c.(6290+1_6291-1)_(6438+1_6439-1)del has been designated for the purposes of this classification. This Copy Number Variant (CNV) is expected to alter the reading frame and predicted to result in a truncation or absence of the encoded protein due to nonsense mediated decay (NMD) and loss of function variants in this gene are known to be pathogenic. The variant was absent in 16120 control chromosomes. c.(6290+1_6291-1)_(6438+1_6439-1)del has been reported in the literature in individuals affected with Dystrophinopathies (Moizard_1998). To our knowledge, no experimental evidence demonstrating an impact on protein function has been reported. The following publication have been ascertained in the context of this evaluation (PMID: 9800909). ClinVar contains an entry for this variant (Variation ID: 526178). Based on the evidence outlined above, the variant was classified as pathogenic.

Literature cited by the submitters: PubMed 9800909.